The following is an entry in ClinVar:

NM_006182.4(DDR2):c.1355G>C (p.Ser452Thr)

Gene: DDR2 (discoidin domain receptor tyrosine kinase 2; plus strand). Cytogenetic location: 1q23.3.
Variant type: single nucleotide variant.
Coding change: c.1355G>C on transcript NM_006182.4 (MANE Select); coding-DNA position 1355, G replaced by C.
Protein change: p.Ser452Thr; replaces serine 452 with threonine.
Molecular consequence: missense variant.
Genome position (GRCh38, 1-based): chr1:162,770,363, G>C. VCF-style: chr1-162770363-G-C. GRCh37 (hg19) VCF-style: chr1-162740153-G-C.
Other names: c.1355G>C, p.Ser452Thr (NM_001014796.3, NM_001354982.2, NM_001354983.2); short protein forms S452T.
Identifiers: ClinVar variation 811873 (VCV000811873.8), dbSNP rs1571316841, ClinGen allele CA343410972.

ClinVar aggregate classification (germline): Uncertain significance (1 of 4 stars; one submission).

Submission:

ARUP Laboratories, Molecular Genetics and Genomics, ARUP Laboratories
Classification: Uncertain significance. Last evaluated: 2019-01-11. Review status: criteria provided, single submitter. Criteria: ARUP Molecular Germline Variant Investigation Process. Collection method: clinical testing. Allele origin: germline.
Comment: The DDR2 c.1355G>C; p.Ser452Thr variant, to our knowledge, is not described in the medical literature or in gene-specific databases. It is also absent from general population databases (Exome Variant Server and Genome Aggregation Database), indicating it is not a common polymorphism. The serine at codon 452 is moderately conserved, and computational algorithms (PolyPhen-2, SIFT) predict that this variant is tolerated. However, due to the lack of clinical and functional data regarding this variant, its clinical significance cannot be determined with certainty.